The following is an entry in ClinVar:

NM_001164508.2(NEB):c.3637G>A (p.Val1213Ile)

Gene: NEB (nebulin; minus strand). Cytogenetic location: 2q23.3.
Variant type: single nucleotide variant.
Coding change: c.3637G>A on transcript NM_001164508.2 (MANE Select); coding-DNA position 3637, G replaced by A.
Protein change: p.Val1213Ile; replaces valine 1213 with isoleucine.
Molecular consequence: missense variant.
Genome position (GRCh38, 1-based): chr2:151,677,702, C>T on the plus strand (G>A on the coding strand, the complement: NEB is on the minus strand). VCF-style: chr2-151677702-C-T. GRCh37 (hg19) VCF-style: chr2-152534216-C-T.
Other names: c.3637G>A, p.Val1213Ile (NM_001164507.2, NM_001271208.2, NM_004543.5); short protein forms V1213I.
Identifiers: ClinVar variation 196898 (VCV000196898.63), dbSNP rs202124287, ClinGen allele CA244685.

ClinVar aggregate classification (germline): Conflicting classifications of pathogenicity. Review status: criteria provided, conflicting classifications (1 of 4 stars). 10 submissions from 10 submitters: Uncertain significance (4); Benign (1); Likely benign (3). 2 of the submissions do not count toward it. Last evaluated 2026-08-01.

Conditions:
NEB-related disorder. Also called: NEB-Related Disorders; NEB-related condition.
Nemaline myopathy 2 (NEM2). Also called: Nemaline myopathy 2, autosomal recessive. Identifiers: MedGen C1850569, MONDO:0009725, OMIM 256030.

Allele frequency attached by ClinVar (database versions not stated): ESP Exome Variant Server 0.00008; 1000 Genomes Project 30x 0.00016; 1000 Genomes Project 0.00020; gnomAD 0.00024 and 0.00025; TOPMed 0.00034; gnomAD exomes 0.00038 and 0.00049; ExAC 0.00060.

Submissions (10):

CeGaT Center for Human Genetics Tuebingen
Classification: Likely benign. Last evaluated: 2026-08-01. Review status: criteria provided, single submitter. Criteria: CeGaT Center For Human Genetics Tuebingen Variant Classification Criteria Version 2. Collection method: clinical testing. Allele origin: germline. Affected: yes. Observed: 4 variant alleles.
Comment: NEB: BP4

Women's Health and Genetics/Laboratory Corporation of America, LabCorp
Classification: Uncertain significance. Last evaluated: 2026-04-21. Review status: criteria provided, single submitter. Criteria: LabCorp Variant Classification Summary - May 2015. Collection method: clinical testing. Allele origin: germline.
Comment: Variant summary: NEB c.3637G>A (p.Val1213Ile) results in a conservative amino acid change in the encoded protein sequence. Algorithms developed to predict the effect of missense changes on protein structure and function all suggest that this variant is likely to be tolerated. The variant allele was found at a frequency of 0.00049 in 249228 control chromosomes. This frequency is not significantly higher than estimated for disease-causing variants in NEB, allowing no conclusion about variant significance. To our knowledge, no occurrence of c.3637G>A in individuals affected with NEB-related conditions and no experimental evidence demonstrating its impact on protein function have been reported. ClinVar contains an entry for this variant (Variation ID: 196898). Based on the evidence outlined above, the variant was classified as uncertain significance.

Labcorp Genetics (formerly Invitae), Labcorp
Classification: Benign for Nemaline myopathy 2. Last evaluated: 2026-02-04. Review status: criteria provided, single submitter. Criteria: Invitae Variant Classification Sherloc (09022015). Collection method: clinical testing. Allele origin: germline.

PreventionGenetics, part of Exact Sciences
Classification: Likely benign for NEB-related condition. Last evaluated: 2024-10-23. Review status: criteria provided, single submitter. Criteria: ACMG Guidelines, 2015. Collection method: clinical testing. Allele origin: germline.
Comment: This variant is classified as likely benign based on ACMG/AMP sequence variant interpretation guidelines (Richards et al. 2015 PMID: 25741868, with internal and published modifications).

Genome-Nilou Lab
Classification: Uncertain significance for Nemaline myopathy 2. Last evaluated: 2021-05-18. Review status: criteria provided, single submitter. Criteria: ACMG Guidelines, 2015. Collection method: clinical testing. Allele origin: germline. Affected: no.

GeneDx
Classification: Likely benign. Last evaluated: 2018-05-18. Review status: criteria provided, single submitter. Criteria: GeneDx Variant Classification Process June 2021. Collection method: clinical testing. Allele origin: germline. Affected: yes.

Illumina Laboratory Services, Illumina
Classification: Uncertain significance for Nemaline myopathy 2. Last evaluated: 2018-01-13. Review status: criteria provided, single submitter. Criteria: ICSL Variant Classification Criteria 13 December 2019. Collection method: clinical testing. Allele origin: germline.

Eurofins Ntd Llc (ga)
Classification: Uncertain significance. Last evaluated: 2014-06-20. Review status: criteria provided, single submitter. Criteria: EGL Classification Definitions 2015. Collection method: clinical testing. Allele origin: germline. Observed: 1 variant allele, 1 heterozygote.

Genome Diagnostics Laboratory, University Medical Center Utrecht
Classification: Likely benign. Review status: no assertion criteria provided. Collection method: clinical testing. Allele origin: germline. Affected: yes. Study: VKGL Data-share Consensus. Not counted in ClinVar's aggregate classification.

Laboratory of Diagnostic Genome Analysis, Leiden University Medical Center (LUMC)
Classification: Likely benign. Review status: no assertion criteria provided. Collection method: clinical testing. Allele origin: germline. Affected: yes. Study: VKGL Data-share Consensus. Not counted in ClinVar's aggregate classification.